The following is an entry in ClinVar:

ClinVar aggregate classification (germline): Benign/Likely benign. Review status: criteria provided, multiple submitters, no conflicts (2 of 4 stars). 15 submissions from 13 submitters: Benign (6); Likely benign (4). 5 of the submissions do not count toward it. Last evaluated 2026-02-04.

Conditions:
GM1 gangliosidosis. Identifiers: Orphanet 354, MedGen C0085131, MONDO:0018149.
Mucopolysaccharidosis, MPS-IV-B (MPS4B). Also called: Mucopolysaccharidosis type 4B; Mucopolysaccharidosis type IV B; Mucopolysaccharidosis type IVB (Morquio); Mucopolysaccharidosis Type IVB (Morquio B Disease); MPS IVB; MORQUIO SYNDROME B. Identifiers: Orphanet 309310, Orphanet 582, MedGen C0086652, MONDO:0009660, OMIM 253010.
GLB1-related disorder. Also called: GLB1-related disorders. Identifiers: MedGen CN377807.
Infantile GM1 gangliosidosis. Also called: Gangliosidosis, Generalized GM1, Type 1; GM1 gangliosidosis type 1; GM1-gangliosidosis, type I; Gangliosidosis, generalized GM1, infantile form; GLB1 deficiency. Identifiers: Orphanet 354, Orphanet 79255, MedGen C0268271, MONDO:0009260, OMIM 230500.

Allele frequency attached by ClinVar (database versions not stated): 1000 Genomes Project 0.03494; 1000 Genomes Project 30x 0.03576; ExAC 0.04653; gnomAD exomes 0.04698 and 0.05548; gnomAD 0.04924 and 0.05158; ESP Exome Variant Server 0.05165; TOPMed 0.05262.
gnomAD v4.1: 88,789 of 1,614,094 alleles (5.5%); highest among the groups gnomAD compares: Middle Eastern, 7.1%; 2,703 homozygotes.

Submissions (15):

Labcorp Genetics (formerly Invitae), Labcorp
Classification: Benign for Mucopolysaccharidosis, MPS-IV-B; GM1 gangliosidosis. Last evaluated: 2026-02-04. Review status: criteria provided, single submitter. Criteria: Invitae Variant Classification Sherloc (09022015). Collection method: clinical testing. Allele origin: germline.

Blueprint Genetics
Classification: Likely benign. Last evaluated: 2024-11-26. Review status: criteria provided, single submitter. Criteria: ACMG Guidelines, 2015. Collection method: clinical testing. Allele origin: germline.

Mayo Clinic Laboratories, Mayo Clinic
Classification: Benign. Last evaluated: 2023-02-21. Review status: criteria provided, single submitter. Criteria: ACMG Guidelines, 2015. Collection method: clinical testing. Allele origin: germline. Observed: 87 variant alleles.
Comment: BA1, BP4

Pars Genome Lab
Classification: Benign for Infantile GM1 gangliosidosis. Last evaluated: 2021-06-15. Review status: criteria provided, single submitter. Criteria: ACMG Guidelines, 2015. Collection method: clinical testing. Allele origin: germline. Affected: no.

Pars Genome Lab
Classification: Benign for Mucopolysaccharidosis, MPS-IV-B. Last evaluated: 2021-06-15. Review status: criteria provided, single submitter. Criteria: ACMG Guidelines, 2015. Collection method: clinical testing. Allele origin: germline. Affected: no.

Eurofins Ntd Llc (ga)
Classification: Benign. Last evaluated: 2018-07-13. Review status: criteria provided, single submitter. Criteria: EGL ClinVar v180209 classification definitions. Collection method: clinical testing. Allele origin: germline. Observed: 6 variant alleles, 6 heterozygotes.

Illumina Laboratory Services, Illumina
Classification: Likely benign for GM1 gangliosidosis. Last evaluated: 2017-04-27. Review status: criteria provided, single submitter. Criteria: ICSL Variant Classification Criteria 13 December 2019. Collection method: clinical testing. Allele origin: germline.
Comment: This variant was observed as part of a predisposition screen in an ostensibly healthy population. A literature search was performed for the gene, cDNA change, and amino acid change (where applicable). No publications were found based on this search. Allele frequency data from public databases allowed determination this variant is unlikely to cause disease. Therefore, this variant is classified as likely benign.

Illumina Laboratory Services, Illumina
Classification: Likely benign for Mucopolysaccharidosis, MPS-IV-B. Last evaluated: 2017-04-27. Review status: criteria provided, single submitter. Criteria: ICSL Variant Classification Criteria 13 December 2019. Collection method: clinical testing. Allele origin: germline.
Comment: This variant was observed as part of a predisposition screen in an ostensibly healthy population. A literature search was performed for the gene, cDNA change, and amino acid change (where applicable). Publications were found based on this search. The evidence from the literature, in combination with allele frequency data from public databases where available, was sufficient to determine this variant is unlikely to cause disease. Therefore, this variant is classified as likely benign.

GeneDx
Classification: Benign. Last evaluated: 2015-03-03. Review status: criteria provided, single submitter. Criteria: GeneDx Variant Classification Process June 2021. Collection method: clinical testing. Allele origin: germline. Affected: yes.
Comment: This variant is associated with the following publications: (PMID: 17664528, 10839995)

Breakthrough Genomics
Classification: Likely benign. Review status: criteria provided, single submitter. Criteria: ACMG Guidelines, 2015. Collection method: not provided. Allele origin: germline. Inheritance: Autosomal recessive inheritance. Affected: yes.

PreventionGenetics, part of Exact Sciences
Classification: Benign for GLB1-related condition. Last evaluated: 2024-03-26. Review status: no assertion criteria provided. Collection method: clinical testing. Allele origin: germline. Not counted in ClinVar's aggregate classification.
Comment: This variant is classified as benign based on ACMG/AMP sequence variant interpretation guidelines (Richards et al. 2015 PMID: 25741868, with internal and published modifications).

Clinical Genetics DNA and cytogenetics Diagnostics Lab, Erasmus MC, Erasmus Medical Center
Classification: Benign. Review status: no assertion criteria provided. Collection method: clinical testing. Allele origin: germline. Affected: yes. Study: VKGL Data-share Consensus. Not counted in ClinVar's aggregate classification.

Diagnostic Laboratory, Department of Genetics, University Medical Center Groningen
Classification: Benign. Review status: no assertion criteria provided. Collection method: clinical testing. Allele origin: germline. Affected: yes. Study: VKGL Data-share Consensus. Not counted in ClinVar's aggregate classification.

Joint Genome Diagnostic Labs from Nijmegen and Maastricht, Radboudumc and MUMC+
Classification: Benign. Review status: no assertion criteria provided. Collection method: clinical testing. Allele origin: germline. Affected: yes. Study: VKGL Data-share Consensus. Not counted in ClinVar's aggregate classification.

Laboratory of Diagnostic Genome Analysis, Leiden University Medical Center (LUMC)
Classification: Likely benign. Review status: no assertion criteria provided. Collection method: clinical testing. Allele origin: germline. Affected: yes. Study: VKGL Data-share Consensus. Not counted in ClinVar's aggregate classification.

Literature cited by the submitters: PubMed 10338095 (cited by Mayo Clinic Laboratories, Mayo Clinic); PubMed 10839995 (cited by Mayo Clinic Laboratories, Mayo Clinic); PubMed 16466959 (cited by Mayo Clinic Laboratories, Mayo Clinic); PubMed 16941474 (cited by Mayo Clinic Laboratories, Mayo Clinic); PubMed 17661814 (cited by Mayo Clinic Laboratories, Mayo Clinic); PubMed 17664528 (cited by Mayo Clinic Laboratories, Mayo Clinic); PubMed 21497194 (cited by Mayo Clinic Laboratories, Mayo Clinic); PubMed 21637542 (cited by Mayo Clinic Laboratories, Mayo Clinic and Illumina Laboratory Services, Illumina); PubMed 22784478 (cited by Mayo Clinic Laboratories, Mayo Clinic); PubMed 23046582 (cited by Mayo Clinic Laboratories, Mayo Clinic); PubMed 25600812 (cited by Mayo Clinic Laboratories, Mayo Clinic); PubMed 27750150 (cited by Mayo Clinic Laboratories, Mayo Clinic).

NM_000404.4(GLB1):c.1594A>G (p.Ser532Gly)

Gene: GLB1 (galactosidase beta 1; minus strand). Cytogenetic location: 3p22.3.
Variant type: single nucleotide variant.
Coding change: c.1594A>G on transcript NM_000404.4 (MANE Select); coding-DNA position 1594, A replaced by G.
Protein change: p.Ser532Gly; replaces serine 532 with glycine.
Molecular consequence: missense variant.
Genome position (GRCh38, 1-based): chr3:33,014,196, T>C on the plus strand (A>G on the coding strand, the complement: GLB1 is on the minus strand). VCF-style: chr3-33014196-T-C. GRCh37 (hg19) VCF-style: chr3-33055688-T-C.
Other names: c.1504A>G, p.Ser502Gly (NM_001079811.3); c.1201A>G, p.Ser401Gly (NM_001135602.3); c.1738A>G, p.Ser580Gly (NM_001317040.2); c.1594A>G, p.Ser532Gly (NM_001393580.1); c.1594A>G (NM_000404.3); short protein forms S532G, S502G, S401G, S580G.
Identifiers: ClinVar variation 92899 (VCV000092899.37), dbSNP rs73826339, ClinGen allele CA146073.
Genomic context (GRCh38, chr3:33,014,196, plus strand): 5'-AAAAGGCCGGGAGCGTGTAGTTGGATGAGTTGTGGGCCCAGGCTTCATCATGGTGGCCAC[T>C]GTCACGGTGTCCCCAGCCCCCCAGGTGGCTGCACACTGCATCCTCAGTGTCCAGTGGAAA-3'
Protein context (NP_000395.3, residues 522-542): SHLGGWGHRD[Ser532Gly]GHHDEAWAHN